The following is an entry in ClinVar:

ClinVar aggregate classification (germline): Uncertain significance (1 of 4 stars; one submission).

Conditions:
Inborn genetic diseases. Identifiers: MedGen C0950123, MeSH D030342.

Allele frequency attached by ClinVar (database versions not stated): gnomAD exomes below 0.00001.
gnomAD v4.1: 6 of 1,612,858 alleles (0.00037%); highest among the groups gnomAD compares: South Asian, 0.0011%; no homozygotes.

Submission:

Ambry Genetics
Classification: Uncertain significance for Inborn genetic diseases. Last evaluated: 2024-09-18. Review status: criteria provided, single submitter. Criteria: Ambry Variant Classification Scheme 2023. Collection method: clinical testing. Allele origin: germline.
Comment: The p.D1186G variant (also known as c.3557A>G), located in coding exon 18 of the ATR gene, results from an A to G substitution at nucleotide position 3557. The aspartic acid at codon 1186 is replaced by glycine, an amino acid with similar properties. This amino acid position is conserved. In addition, this alteration is predicted to be tolerated by in silico analysis. Since supporting evidence is limited at this time, the clinical significance of this alteration remains unclear.

NM_001184.4(ATR):c.3557A>G (p.Asp1186Gly)

Gene: ATR (ATR checkpoint kinase; minus strand). Cytogenetic location: 3q23.
Variant type: single nucleotide variant.
Coding change: c.3557A>G on transcript NM_001184.4 (MANE Select); coding-DNA position 3557, A replaced by G.
Protein change: p.Asp1186Gly; replaces aspartic acid 1186 with glycine.
Molecular consequence: missense variant.
Genome position (GRCh38, 1-based): chr3:142,540,928, T>C on the plus strand (A>G on the coding strand, the complement: ATR is on the minus strand). VCF-style: chr3-142540928-T-C. GRCh37 (hg19) VCF-style: chr3-142259770-T-C.
Other names: c.3365A>G, p.Asp1122Gly (NM_001354579.2); short protein forms D1122G, D1186G.
Identifiers: ClinVar variation 1732643 (VCV001732643.3), dbSNP rs1302753114, ClinGen allele CA354807744.
Genomic context (GRCh38, chr3:142,540,928, plus strand): 5'-AAAAAAAAAAATTAATAAACTCAGGCAGTCATTTACCTGCAACACAATTCAGGAAAATCA[T>C]CCTTGAATCGAAGGCCAGTTCTCAGTGTGGTCATCATCTTCACCCTCACAGAACTGACAT-3'
Protein context (NP_001175.2, residues 1176-1196): TTLRTGLRFK[Asp1186Gly]DFPELCCRAW